The following is an entry in ClinVar:

NM_177438.3(DICER1):c.4117A>G (p.Ile1373Val)

Gene: DICER1 (dicer 1, ribonuclease III; minus strand). Cytogenetic location: 14q32.13.
Variant type: single nucleotide variant.
Coding change: c.4117A>G on transcript NM_177438.3 (MANE Select); coding-DNA position 4117, A replaced by G.
Protein change: p.Ile1373Val; replaces isoleucine 1373 with valine.
Molecular consequence: missense variant. On other transcripts: non-coding transcript variant (6).
Genome position (GRCh38, 1-based): chr14:95,099,869, T>C on the plus strand (A>G on the coding strand, the complement: DICER1 is on the minus strand). VCF-style: chr14-95099869-T-C. GRCh37 (hg19) VCF-style: chr14-95566206-T-C.
Other names: c.4117A>G, p.Ile1373Val (NM_001195573.1, NM_001271282.3, NM_001291628.2 and 13 more transcripts); c.3835A>G, p.Ile1279Val (NM_001395686.1); c.3712A>G, p.Ile1238Val (NM_001395687.1, NM_001395688.1, NM_001395689.1 and 2 more transcripts); c.3550A>G, p.Ile1184Val (NM_001395691.1); c.2434A>G, p.Ile812Val (NM_001395697.1); short protein forms I1279V, I1373V, I1238V, I812V, I1184V.
Identifiers: ClinVar variation 1913723 (VCV001913723.6), dbSNP rs2542600852, ClinGen allele CA390872069.
Genomic context (GRCh38, chr14:95,099,869, plus strand): 5'-TGCTTTTGTCTTGATTTACTACATAACCAGGAGGAAGCCAATTCACAGGGGGATCAAATA[T>C]TGACACCACCATGCGGCTGGGTAGTCCCTTCTTTTTTCCAAGGCGATACAGATTACAGTT-3'
Protein context (NP_803187.1, residues 1363-1383): KGLPSRMVVS[Ile1373Val]FDPPVNWLPP

ClinVar aggregate classification (germline): Uncertain significance. Review status: criteria provided, multiple submitters, no conflicts (2 of 4 stars). 2 submissions from 2 submitters: Uncertain significance (2). Last evaluated 2025-10-25.

Conditions:
Hereditary cancer-predisposing syndrome. Also called: Neoplastic Syndromes, Hereditary; Tumor predisposition; Hereditary neoplastic syndrome; Hereditary Cancer Syndrome. Identifiers: Orphanet 140162, MedGen C0027672, MeSH D009386, MONDO:0015356.
DICER1-related tumor predisposition. Also called: DICER1 syndrome; DICER1-related pleuropulmonary blastoma cancer predisposition syndrome. Identifiers: Orphanet 284343, MedGen C3839822, MONDO:0100216.

Submissions (2):

Ambry Genetics
Classification: Uncertain significance for Hereditary cancer-predisposing syndrome. Last evaluated: 2025-10-25. Review status: criteria provided, single submitter. Criteria: Ambry Variant Classification Scheme 2023. Collection method: clinical testing. Allele origin: germline.
Comment: The p.I1373V variant (also known as c.4117A>G), located in coding exon 21 of the DICER1 gene, results from an A to G substitution at nucleotide position 4117. The isoleucine at codon 1373 is replaced by valine, an amino acid with highly similar properties. This amino acid position is conserved. In addition, the in silico prediction for this alteration is inconclusive. Based on the available evidence, the clinical significance of this variant remains unclear.

Labcorp Genetics (formerly Invitae), Labcorp
Classification: Uncertain significance for DICER1-related tumor predisposition. Last evaluated: 2022-02-11. Review status: criteria provided, single submitter. Criteria: Invitae Variant Classification Sherloc (09022015). Collection method: clinical testing. Allele origin: germline.
Comment: This sequence change replaces isoleucine, which is neutral and non-polar, with valine, which is neutral and non-polar, at codon 1373 of the DICER1 protein (p.Ile1373Val). In summary, the available evidence is currently insufficient to determine the role of this variant in disease. Therefore, it has been classified as a Variant of Uncertain Significance. Algorithms developed to predict the effect of missense changes on protein structure and function are either unavailable or do not agree on the potential impact of this missense change (SIFT: "Tolerated"; PolyPhen-2: "Possibly Damaging"; Align-GVGD: "Class C0"). This variant has not been reported in the literature in individuals affected with DICER1-related conditions. This variant is not present in population databases (gnomAD no frequency).